The following is an entry in ClinVar:

NM_173630.4(RTTN):c.3794G>A (p.Arg1265Gln)

Gene: RTTN (rotatin; minus strand). Cytogenetic location: 18q22.2.
Variant type: single nucleotide variant.
Coding change: c.3794G>A on transcript NM_173630.4 (MANE Select); coding-DNA position 3794, G replaced by A.
Protein change: p.Arg1265Gln; replaces arginine 1265 with glutamine.
Molecular consequence: missense variant.
Genome position (GRCh38, 1-based): chr18:70,109,607, C>T on the plus strand (G>A on the coding strand, the complement: RTTN is on the minus strand). VCF-style: chr18-70109607-C-T. GRCh37 (hg19) VCF-style: chr18-67776843-C-T.
Other names: c.1058G>A, p.Arg353Gln (NM_001318520.2); short protein forms R1265Q, R353Q.
Identifiers: ClinVar variation 1524686 (VCV001524686.6), dbSNP rs776437862, ClinGen allele CA8995491.

ClinVar aggregate classification (germline): Uncertain significance (1 of 4 stars; one submission).

Allele frequency attached by ClinVar (database versions not stated): TOPMed below 0.00001; gnomAD exomes 0.00003; ExAC 0.00005.
gnomAD v4.1: 16 of 1,614,030 alleles (0.00099%); highest among the groups gnomAD compares: Middle Eastern, 0.017%; no homozygotes.

Submission:

Labcorp Genetics (formerly Invitae), Labcorp
Classification: Uncertain significance. Last evaluated: 2024-10-08. Review status: criteria provided, single submitter. Criteria: Invitae Variant Classification Sherloc (09022015). Collection method: clinical testing. Allele origin: germline.
Comment: This sequence change replaces arginine, which is basic and polar, with glutamine, which is neutral and polar, at codon 1265 of the RTTN protein (p.Arg1265Gln). This variant is present in population databases (rs776437862, gnomAD 0.005%). This variant has not been reported in the literature in individuals affected with RTTN-related conditions. ClinVar contains an entry for this variant (Variation ID: 1524686). Invitae Evidence Modeling of protein sequence and biophysical properties (such as structural, functional, and spatial information, amino acid conservation, physicochemical variation, residue mobility, and thermodynamic stability) indicates that this missense variant is not expected to disrupt RTTN protein function with a negative predictive value of 80%. In summary, the available evidence is currently insufficient to determine the role of this variant in disease. Therefore, it has been classified as a Variant of Uncertain Significance.